The following is an entry in ClinVar:

NM_000540.3(RYR1):c.4079C>T (p.Thr1360Ile)

Gene: RYR1 (ryanodine receptor 1; plus strand). Cytogenetic location: 19q13.2.
Variant type: single nucleotide variant.
Coding change: c.4079C>T on transcript NM_000540.3 (MANE Select); coding-DNA position 4079, C replaced by T.
Protein change: p.Thr1360Ile; replaces threonine 1360 with isoleucine.
Molecular consequence: missense variant.
Genome position (GRCh38, 1-based): chr19:38,473,690, C>T. VCF-style: chr19-38473690-C-T. GRCh37 (hg19) VCF-style: chr19-38964330-C-T.
Other names: c.4079C>T, p.Thr1360Ile (NM_001042723.2); short protein forms T1360I.
Identifiers: ClinVar variation 3071503 (VCV003071503.1), dbSNP rs2514149619, ClinGen allele CA405642958.

ClinVar aggregate classification (germline): Uncertain significance (1 of 4 stars; one submission).

Conditions:
Malignant hyperthermia, susceptibility to, 1 (MHS1). Also called: Anesthesia related hyperthermia; Malignant hyperpyrexia; Fulminating hyperpyrexia; Pharmacogenic myopathy; RYR1-Related Malignant Hyperthermia Susceptibility; Malignant hyperthermia suceptibility 1. Identifiers: Orphanet 423, MedGen C2930980, MONDO:0007783, OMIM 145600.

Submission:

All of Us Research Program, National Institutes of Health
Classification: Uncertain significance for Malignant hyperthermia, susceptibility to, 1. Last evaluated: 2023-06-08. Review status: criteria provided, single submitter. Criteria: ACMG Guidelines, 2015. Collection method: clinical testing. Allele origin: germline. Inheritance: Autosomal dominant inheritance. Observed: 1 variant allele, 1 heterozygote.
Comment: This missense variant replaces threonine with isoleucine at codon 1360 of the RYR1 protein. Computational prediction suggests that this variant may not impact protein structure and function (internally defined REVEL score threshold <= 0.5, PMID: 27666373). To our knowledge, functional studies have not been reported for this variant. This variant has not been reported in individuals affected with RYR1-related disorders in the literature. This variant has not been identified in the general population by the Genome Aggregation Database (gnomAD). The available evidence is insufficient to determine the role of this variant in disease conclusively. Therefore, this variant is classified as a Variant of Uncertain Significance.

This study involves interpretation of variants in research participants for the purpose of population health screening. Participant phenotype was not available at the time of variant classification. Additional details can be found in publication PMID: 35346344, PMCID: PMC8962531